The following is an entry in ClinVar:

ClinVar aggregate classification (germline): Uncertain significance (1 of 4 stars; one submission).

Submission:

GeneDx
Classification: Uncertain significance. Last evaluated: 2020-01-07. Review status: criteria provided, single submitter. Criteria: GeneDx Variant Classification Process June 2021. Collection method: clinical testing. Allele origin: germline. Affected: yes.
Comment: Not observed in large population cohorts (Lek et al., 2016); In silico analysis, which includes protein predictors and evolutionary conservation, supports that this variant does not alter protein structure/function; Has not been previously published as pathogenic or benign to our knowledge

NM_024757.5(EHMT1):c.1901G>T (p.Ser634Ile)

Gene: EHMT1 (euchromatic histone lysine methyltransferase 1; plus strand). Cytogenetic location: 9q34.3.
Variant type: single nucleotide variant.
Coding change: c.1901G>T on transcript NM_024757.5 (MANE Select); coding-DNA position 1901, G replaced by T.
Protein change: p.Ser634Ile; replaces serine 634 with isoleucine.
Molecular consequence: missense variant.
Genome position (GRCh38, 1-based): chr9:137,776,727, G>T. VCF-style: chr9-137776727-G-T. GRCh37 (hg19) VCF-style: chr9-140671179-G-T.
Other names: c.1901G>T, p.Ser634Ile (NM_001145527.2); c.1808G>T, p.Ser603Ile (NM_001354259.2); c.1880G>T, p.Ser627Ile (NM_001354263.2); short protein forms S603I, S627I, S634I.
Identifiers: ClinVar variation 1311616 (VCV001311616.2), dbSNP rs1486960639, ClinGen allele CA375776334.